The following is an entry in ClinVar:

ClinVar aggregate classification (germline): Uncertain significance (1 of 4 stars; one submission).

Submission:

Ambry Genetics
Classification: Uncertain significance. Last evaluated: 2025-08-14. Review status: criteria provided, single submitter. Criteria: Ambry Variant Classification Scheme 2023. Collection method: clinical testing. Allele origin: germline.
Comment: The p.S567F variant (also known as c.1700C>T), located in coding exon 17 of the KIF1B gene, results from a C to T substitution at nucleotide position 1700. The serine at codon 567 is replaced by phenylalanine, an amino acid with highly dissimilar properties. This amino acid position is conserved. In addition, this alteration is predicted to be tolerated by in silico analysis. Based on the available evidence, the clinical significance of this variant remains unclear.

NM_001365951.3(KIF1B):c.1838C>T (p.Ser613Phe)

Gene: KIF1B (kinesin family member 1B; plus strand). Cytogenetic location: 1p36.22.
Variant type: single nucleotide variant.
Coding change: c.1838C>T on transcript NM_001365951.3 (MANE Select); coding-DNA position 1838, C replaced by T.
Protein change: p.Ser613Phe; replaces serine 613 with phenylalanine.
Molecular consequence: missense variant.
Genome position (GRCh38, 1-based): chr1:10,296,642, C>T. VCF-style: chr1-10296642-C-T. GRCh37 (hg19) VCF-style: chr1-10356700-C-T.
Other names: c.1838C>T, p.Ser613Phe (NM_001365952.1); c.1700C>T, p.Ser567Phe (NM_001365953.1, NM_015074.3, NM_183416.4); short protein forms S567F, S613F.
Identifiers: ClinVar variation 4092367 (VCV004092367.1).